The following is an entry in ClinVar:

ClinVar aggregate classification (germline): Benign/Likely benign. Review status: criteria provided, multiple submitters, no conflicts (2 of 4 stars). 3 submissions from 3 submitters: Benign (1); Likely benign (2). Last evaluated 2024-03-15.

Conditions:
Hereditary cancer-predisposing syndrome. Also called: Tumor predisposition; Hereditary neoplastic syndrome; Neoplastic Syndromes, Hereditary; Hereditary Cancer Syndrome. Identifiers: Orphanet 140162, MedGen C0027672, MeSH D009386, MONDO:0015356.
Familial adenomatous polyposis 1 (FAP1). Also called: POLYPOSIS, ADENOMATOUS INTESTINAL; FAMILIAL ADENOMATOUS POLYPOSIS 1, ATTENUATED. Identifiers: MedGen C2713442, MONDO:0021056, OMIM 175100. Disease mechanism: loss of function.

Submissions (3):

Myriad Genetics, Inc.
Classification: Benign for Familial adenomatous polyposis 1. Last evaluated: 2024-03-15. Review status: criteria provided, single submitter. Criteria: Myriad Autosomal Dominant, Autosomal Recessive and X-Linked Classification Criteria (2023). Collection method: clinical testing. Allele origin: unknown.
Comment: This variant is considered benign. This variant is a silent/synonymous amino acid change and it is not expected to impact splicing.

Ambry Genetics
Classification: Likely benign for Hereditary cancer-predisposing syndrome. Last evaluated: 2024-01-11. Review status: criteria provided, single submitter. Criteria: Ambry Variant Classification Scheme 2023. Collection method: clinical testing. Allele origin: germline.

Labcorp Genetics (formerly Invitae), Labcorp
Classification: Likely benign for Familial adenomatous polyposis 1. Last evaluated: 2021-01-07. Review status: criteria provided, single submitter. Criteria: Invitae Variant Classification Sherloc (09022015). Collection method: clinical testing. Allele origin: germline.

NM_000038.6(APC):c.2730T>G (p.Thr910=)

Gene: APC (APC regulator of Wnt signaling pathway; plus strand). Cytogenetic location: 5q22.2.
Variant type: single nucleotide variant.
Coding change: c.2730T>G on transcript NM_000038.6 (MANE Select); coding-DNA position 2730, T replaced by G.
Protein change: p.Thr910=; no amino-acid change (threonine 910 retained).
Molecular consequence: synonymous variant.
Genome position (GRCh38, 1-based): chr5:112,838,324, T>G. VCF-style: chr5-112838324-T-G. GRCh37 (hg19) VCF-style: chr5-112174021-T-G.
Other names: c.2730T>G (NM_000038.5); c.2730T>G, p.Thr910= (NM_001127510.3, NM_001354895.2); c.2676T>G, p.Thr892= (NM_001127511.3); c.2784T>G, p.Thr928= (NM_001354896.2); c.2760T>G, p.Thr920= (NM_001354897.2); c.2655T>G, p.Thr885= (NM_001354898.2); c.2646T>G, p.Thr882= (NM_001354899.2); c.2607T>G, p.Thr869= (NM_001354900.2); and 6 more.
Identifiers: ClinVar variation 1657377 (VCV001657377.9), dbSNP rs2149876172, ClinGen allele CA445962831.